The following is an entry in ClinVar:

NM_012434.5(SLC17A5):c.619del (p.Gln207fs)

Gene: SLC17A5 (solute carrier family 17 member 5; minus strand). Cytogenetic location: 6q13.
Variant type: Deletion.
Coding change: c.619del on transcript NM_012434.5 (MANE Select); coding-DNA position 619, one base deleted (C; older notation c.619delC).
Protein change: p.Gln207fs; shifts the reading frame from glutamine 207.
Molecular consequence: frameshift variant. On other transcripts: intron variant (2).
Genome position (GRCh38, 1-based): chr6:73,636,702, G deleted on the plus strand (C on the coding strand, the reverse complement: SLC17A5 is on the minus strand). VCF-style (leftmost placement, unchanged base first): chr6-73636701-TG-T. GRCh37 (hg19) VCF-style: chr6-74346424-TG-T.
Other names: c.388del, p.Gln130fs (NM_001382629.1); c.619del, p.Gln207fs (NM_001382630.1, NM_001382633.1, NM_001382634.1); c.640del, p.Gln214fs (NM_001382631.1); c.616del, p.Gln206fs (NM_001382635.1); c.383-1202del (NM_001382636.1); c.614-1202del (NM_001382632.1); short protein forms Q130fs, Q206fs, Q207fs, Q214fs.
Identifiers: ClinVar variation 5014967 (VCV005014967.1).

ClinVar aggregate classification (germline): Pathogenic (1 of 4 stars; one submission).

Conditions:
Sialic acid storage disease, severe infantile type (ISSD). Also called: INFANTILE SIALIC ACID STORAGE DISORDER; N-ACETYLNEURAMINIC ACID STORAGE DISEASE; NANA STORAGE DISEASE; SIALURIA, INFANTILE FORM; Infantile Sialic Acid Storage Disease; Free sialic acid storage disease, infantile form. Identifiers: Orphanet 309324, Orphanet 834, MedGen C1096902, MONDO:0010027, OMIM 269920.

Submission:

Myriad Genetics, Inc.
Classification: Pathogenic for Sialic acid storage disease, severe infantile type. Last evaluated: 2025-09-11. Review status: criteria provided, single submitter. Criteria: Myriad Autosomal Dominant, Autosomal Recessive and X-Linked Classification Criteria (2023). Collection method: clinical testing. Allele origin: unknown.
Comment: NM_012434.4(SLC17A5):c.619delC(Q207Sfs*5) is expected to be pathogenic in the context of free sialic acid storage disorders. This variant is predicted to lead to an abnormal or absent protein product due to the creation of a premature termination codon in SLC17A5, a gene where loss-of-function variants are known to be pathogenic. Please note: this variant was assessed in the context of healthy population screening.